The following is an entry in ClinVar:

NM_015443.4(KANSL1):c.1002C>G (p.Asn334Lys)

Gene: KANSL1 (KAT8 regulatory NSL complex subunit 1). Cytogenetic location: 17q21.31.
Variant type: single nucleotide variant.
Coding change: c.1002C>G on transcript NM_015443.4 (MANE Select); coding-DNA position 1002, C replaced by G.
Protein change: p.Asn334Lys; replaces asparagine 334 with lysine.
Molecular consequence: missense variant.
Genome position (GRCh38, 1-based): chr17:46,171,142, G>C on the plus strand (C>G on the coding strand, the complement: KANSL1 is on the minus strand). VCF-style: chr17-46171142-G-C. GRCh37 (hg19) VCF-style: chr17-44248508-G-C.
Other names: c.1002C>G, p.Asn334Lys (NM_001193465.2, NM_001193466.2, NM_001379198.1); short protein forms N334K.
Identifiers: ClinVar variation 1059072 (VCV001059072.6), dbSNP rs1272158850, ClinGen allele CA399979720.
Genomic context (GRCh38, chr17:46,171,142, plus strand): 5'-CAAGGCAGCTTCAGCCTTTCGAGTCAGCATCAACTGGCTCCGTGGTCTCAAGGATTCCAA[G>C]TTTGGCAGTTTGCTCAAAGTCTTCTCCAAAAATCCACCCAGCTGATGTTGTATATGCCTC-3'
Protein context (NP_056258.1, residues 324-344): FLEKTLSKLP[Asn334Lys]LESLRPRSQL

ClinVar aggregate classification (germline): Uncertain significance (1 of 4 stars; one submission).

Conditions:
Koolen-de Vries syndrome (KDVS). Identifiers: Orphanet 96169, MedGen C1864871, MONDO:0012496, OMIM 610443.

gnomAD v4.1: 1 of 1,614,172 alleles (0.000062%); highest among the groups gnomAD compares: Admixed American, 0.0017%; no homozygotes.

Submission:

Labcorp Genetics (formerly Invitae), Labcorp
Classification: Uncertain significance for Koolen-de Vries syndrome. Last evaluated: 2021-09-17. Review status: criteria provided, single submitter. Criteria: Invitae Variant Classification Sherloc (09022015). Collection method: clinical testing. Allele origin: germline.
Comment: Due to the possible presence of a polymorphic segmental duplication, the location of the variant could not be unambiguously resolved. Variants with ambiguous mapping are still reported relative to the KANSL1 transcript. This sequence change replaces asparagine with lysine at codon 334 of the KANSL1 protein (p.Asn334Lys). The asparagine residue is highly conserved and there is a moderate physicochemical difference between asparagine and lysine. The frequency data for this variant in the population databases (ExAC) is considered unreliable due to the presence of homologous sequence, such as pseudogenes or paralogs, in the genome. This variant has not been reported in the literature in individuals with KANSL1-related conditions. Algorithms developed to predict the effect of missense changes on protein structure and function (SIFT, PolyPhen-2, Align-GVGD) all suggest that this variant is likely to be tolerated. Until the location of this sequence change can be resolved, the clinical significance of this variant remains uncertain. It has been classified as a Variant of Uncertain Significance.